The following is an entry in ClinVar:

NM_015166.4(MLC1):c.959C>A (p.Thr320Lys)

Gene: MLC1 (modulator of VRAC current 1; minus strand). Cytogenetic location: 22q13.33.
Variant type: single nucleotide variant.
Coding change: c.959C>A on transcript NM_015166.4 (MANE Select); coding-DNA position 959, C replaced by A.
Protein change: p.Thr320Lys; replaces threonine 320 with lysine.
Molecular consequence: missense variant. On other transcripts: non-coding transcript variant (3).
Genome position (GRCh38, 1-based): chr22:50,064,134, G>T on the plus strand (C>A on the coding strand, the complement: MLC1 is on the minus strand). VCF-style: chr22-50064134-G-T. GRCh37 (hg19) VCF-style: chr22-50502563-G-T.
Other names: c.959C>A, p.Thr320Lys (NM_001376472.1, NM_001376473.1, NM_001376474.1 and 5 more transcripts); c.902C>A, p.Thr301Lys (NM_001376479.1); c.869C>A, p.Thr290Lys (NM_001376480.1); c.857C>A, p.Thr286Lys (NM_001376481.1); c.803C>A, p.Thr268Lys (NM_001376482.1, NM_001376483.1); c.722C>A, p.Thr241Lys (NM_001376484.1); short protein forms T320K, T241K, T268K, T286K, T290K, T301K.
Identifiers: ClinVar variation 68797 (VCV000068797.13), dbSNP rs281875313, ClinGen allele CA219970.

ClinVar aggregate classification (germline): Pathogenic/Likely pathogenic. Review status: criteria provided, multiple submitters, no conflicts (2 of 4 stars). 9 submissions from 9 submitters: Pathogenic (2); Likely pathogenic (4). 3 of the submissions do not count toward it. Last evaluated 2026-01-25.

Conditions:
Megalencephalic leukoencephalopathy with subcortical cysts. Also called: VAN DER KNAAP DISEASE. Identifiers: Orphanet 2478, MedGen C1858854, MONDO:0011391.
Megalencephalic leukoencephalopathy with subcortical cysts 1 (MLC1). Also called: LEUKOENCEPHALOPATHY WITH SWELLING AND CYSTS; VACUOLATING MEGALENCEPHALIC LEUKOENCEPHALOPATHY WITH SUBCORTICAL CYSTS. Identifiers: Orphanet 2478, MedGen C5779875, MONDO:0024555, OMIM 604004.

gnomAD v4.1: 3 of 1,609,200 alleles (0.00019%); highest among the groups gnomAD compares: South Asian, 0.0033%; no homozygotes.

Submissions (9):

Labcorp Genetics (formerly Invitae), Labcorp
Classification: Likely pathogenic. Last evaluated: 2026-01-25. Review status: criteria provided, single submitter. Criteria: Invitae Variant Classification Sherloc (09022015). Collection method: clinical testing. Allele origin: germline.
Comment: This sequence change replaces threonine, which is neutral and polar, with lysine, which is basic and polar, at codon 320 of the MLC1 protein (p.Thr320Lys). This variant is not present in population databases (gnomAD no frequency). This missense change has been observed in individual(s) with MLC1-related conditions (PMID: 21555057, 31069529, 32209057). ClinVar contains an entry for this variant (Variation ID: 68797). Invitae Evidence Modeling of protein sequence and biophysical properties (such as structural, functional, and spatial information, amino acid conservation, physicochemical variation, residue mobility, and thermodynamic stability) indicates that this missense variant is not expected to disrupt MLC1 protein function with a negative predictive value of 80%. In summary, the currently available evidence indicates that the variant is pathogenic, but additional data are needed to prove that conclusively. Therefore, this variant has been classified as Likely Pathogenic.

Natera, Inc.
Classification: Likely pathogenic for Megalencephalic leukoencephalopathy with subcortical cysts. Last evaluated: 2025-11-12. Review status: criteria provided, single submitter. Criteria: Natera Variant Classification Schema (03/2026). Collection method: clinical testing. Allele origin: germline.
Comment: The c.959C>A variant in MLC1 is a missense variant predicted to cause substitution of threonine to lysine at amino acid 320. This variant is rare in the general population with a frequency below the threshold expected for the associated phenotype(s). This variant has been observed in one or more individuals affected with the associated recessive disease, as either homozygous or compound heterozygous with a second variant (PMID: 16652334, 31069529, 32209057). Additionally, this variant has been observed to segregate in affected family members (PMID: 16652334). Computational prediction algorithms indicate this variant is likely to affect gene or protein function. Given the available evidence, this variant is classified as Likely Pathogenic.

3billion
Classification: Pathogenic for Megalencephalic leukoencephalopathy with subcortical cysts 1. Last evaluated: 2025-04-21. Review status: criteria provided, single submitter. Criteria: ACMG Guidelines, 2015. Collection method: clinical testing. Allele origin: germline. Affected: yes.
Comment: The variant is observed at an extremely low frequency in the gnomAD v4.1.0 dataset (total allele frequency: <0.001%). Predicted Consequence/Location: Missense variant In silico tool predictions suggest damaging effect of the variant on gene or gene product [REVEL: 0.76 (>=0.6, sensitivity 0.68 and specificity 0.92)]. The same nucleotide change resulting in the same amino acid change has been previously reported as pathogenic/likely pathogenic with strong evidence (ClinVar ID: VCV000068797 / PMID: 16652334). The variant has been reported to be in trans with a pathogenic variant as either compound heterozygous or homozygous in at least 2 similarly affected unrelated individuals (PMID: 16652334, 21555057, 32209057). The variant has been reported to co-segregate with the disease in at least one similarly affected relative/individual in the same family or similarly affected unrelated families (PMID: 16652334). Therefore, this variant is classified as Pathogenic according to the recommendation of ACMG/AMP guideline.

Fulgent Genetics
Classification: Likely pathogenic for Megalencephalic leukoencephalopathy with subcortical cysts 1. Last evaluated: 2024-05-22. Review status: criteria provided, single submitter. Criteria: ACMG Guidelines, 2015. Collection method: clinical testing. Allele origin: germline.

Women's Health and Genetics/Laboratory Corporation of America, LabCorp
Classification: Pathogenic for Megalencephalic leukoencephalopathy with subcortical cysts. Last evaluated: 2024-05-22. Review status: criteria provided, single submitter. Criteria: LabCorp Variant Classification Summary - May 2015. Collection method: clinical testing. Allele origin: germline.
Comment: Variant summary: MLC1 c.959C>A (p.Thr320Lys) results in a non-conservative amino acid change in the encoded protein sequence. Five of five in-silico tools predict a damaging effect of the variant on protein function. The variant was absent in 245644 control chromosomes (gnomAD). c.959C>A has been reported in the literature in multiple homozygous individuals affected with megalencephalic leukoencephalopathy with subcortical cysts 1 and in several families, the variant segregated with the disease (examples: Boor_2006, Ilyas_2020, Shukla_2011). These data indicate that the variant is very likely to be associated with disease. The following publications have been ascertained in the context of this evaluation (PMID: 16652334, 32209057, 21555057). ClinVar contains an entry for this variant (Variation ID: 68797). Based on the evidence outlined above, the variant was classified as pathogenic.

Baylor Genetics
Classification: Likely pathogenic for Megalencephalic leukoencephalopathy with subcortical cysts 1. Last evaluated: 2022-09-03. Review status: criteria provided, single submitter. Criteria: ACMG Guidelines, 2015. Collection method: clinical testing. Allele origin: unknown.

Biological Sciences, International Islamic University, Islamabad
Classification: Likely pathogenic for Megalencephalic leukoencephalopathy with subcortical cysts 1. Last evaluated: 2019-10-08. Review status: no assertion criteria provided. Collection method: clinical testing. Allele origin: inherited. Inheritance: Autosomal recessive inheritance. Affected: yes. Observed: 1 homozygote. Not counted in ClinVar's aggregate classification.
Comment: Rare variants are filtered out with an allelic frequency of less than 1%.

Counsyl
Classification: Likely pathogenic for Megalencephalic leukoencephalopathy with subcortical cysts 1. Last evaluated: 2016-08-09. Review status: no assertion criteria provided. Collection method: clinical testing. Allele origin: unknown. Not counted in ClinVar's aggregate classification.

UniProtKB/Swiss-Prot
No classification provided. Review status: no classification provided. Collection method: not provided. Allele origin: not provided. Not counted in ClinVar's aggregate classification.

Literature cited by the submitters: PubMed 21555057 (cited by 4 submitters); PubMed 31069529 (cited by Labcorp Genetics (formerly Invitae), Labcorp and Natera, Inc.); PubMed 32209057 (cited by 4 submitters); PubMed 16652334 (cited by 4 submitters).